The following is an entry in ClinVar:

NM_015631.6(TCTN3):c.43G>T (p.Val15Leu)

Genes: TCTN3 (tectonic family member 3; minus strand), LOC130004408 (ATAC-STARR-seq lymphoblastoid active region 3801; plus strand). Cytogenetic location: 10q24.1.
Variant type: single nucleotide variant.
Coding change: c.43G>T on transcript NM_015631.6 (MANE Select); coding-DNA position 43, G replaced by T.
Protein change: p.Val15Leu; replaces valine 15 with leucine.
Molecular consequence: missense variant.
Genome position (GRCh38, 1-based): chr10:95,693,857, C>A on the plus strand (G>T on the coding strand, the complement: TCTN3 is on the minus strand). VCF-style: chr10-95693857-C-A. GRCh37 (hg19) VCF-style: chr10-97453614-C-A.
Other names: c.43G>T, p.Val15Leu (NM_001143973.2); short protein forms V15L.
Identifiers: ClinVar variation 1312043 (VCV001312043.3), dbSNP rs955603906, ClinGen allele CA211808532.

ClinVar aggregate classification (germline): Uncertain significance. Review status: criteria provided, multiple submitters, no conflicts (2 of 4 stars). 2 submissions from 2 submitters: Uncertain significance (2). Last evaluated 2025-10-07.

Conditions:
Inborn genetic diseases. Identifiers: MedGen C0950123, MeSH D030342.

Allele frequency attached by ClinVar (database versions not stated): TOPMed 0.00001; gnomAD exomes 0.00001; gnomAD 0.00001.
gnomAD v4.1: 8 of 1,551,546 alleles (0.00052%); highest among the groups gnomAD compares: East Asian, 0.015%; no homozygotes.

Submissions (2):

Ambry Genetics
Classification: Uncertain significance for Inborn genetic diseases. Last evaluated: 2025-10-07. Review status: criteria provided, single submitter. Criteria: Ambry Variant Classification Scheme 2023. Collection method: clinical testing. Allele origin: germline.

GeneDx
Classification: Uncertain significance. Last evaluated: 2020-01-20. Review status: criteria provided, single submitter. Criteria: GeneDx Variant Classification Process June 2021. Collection method: clinical testing. Allele origin: germline. Affected: yes.
Comment: Not observed in large population cohorts (Lek et al., 2016); In silico analysis, which includes protein predictors and evolutionary conservation, supports that this variant does not alter protein structure/function; Has not been previously published as pathogenic or benign to our knowledge